The following is an entry in ClinVar:

NM_001843.4(CNTN1):c.1683+3A>T

Gene: CNTN1 (contactin 1; plus strand). Cytogenetic location: 12q12.
Variant type: single nucleotide variant.
Coding change: c.1683+3A>T on transcript NM_001843.4 (MANE Select); 3 bases into the intron after coding-DNA position 1683, A replaced by T.
Molecular consequence: intron variant.
Genome position (GRCh38, 1-based): chr12:40,944,173, A>T. VCF-style: chr12-40944173-A-T. GRCh37 (hg19) VCF-style: chr12-41337975-A-T.
Other names: c.1683+3A>T (NM_001256063.2, NM_001256064.2); c.1650+3A>T (NM_175038.2).
Identifiers: ClinVar variation 4728817 (VCV004728817.1).
Genomic context (GRCh38, chr12:40,944,173, plus strand): 5'-CAATGGCTATGTGATCGATTTTAACAAAGAGAATATTCACTACCAGAGGAATTTTATGGT[A>T]TGTGTTTTAAGTTTCATCTTATTAACACCCCAGTGATTCCTATGTGTCTGCATTGAAAGT-3'

ClinVar aggregate classification (germline): Uncertain significance (1 of 4 stars; one submission).

Conditions:
Compton-North congenital myopathy (CMYO12). Identifiers: Orphanet 210163, MedGen C2675527, MONDO:0012929, OMIM 612540.

Submission:

Labcorp Genetics (formerly Invitae), Labcorp
Classification: Uncertain significance for Compton-North congenital myopathy. Last evaluated: 2025-10-09. Review status: criteria provided, single submitter. Criteria: Invitae Variant Classification Sherloc (09022015). Collection method: clinical testing. Allele origin: germline.
Comment: This sequence change falls in intron 14 of the CNTN1 gene. It does not directly change the encoded amino acid sequence of the CNTN1 protein. It affects a nucleotide within the consensus splice site. This variant is not present in population databases (gnomAD no frequency). This variant has not been reported in the literature in individuals affected with CNTN1-related conditions. Variants that disrupt the consensus splice site are a relatively common cause of aberrant splicing (PMID: 17576681, 9536098). Algorithms developed to predict the effect of sequence changes on RNA splicing suggest that this variant is not likely to affect RNA splicing. In summary, the available evidence is currently insufficient to determine the role of this variant in disease. Therefore, it has been classified as a Variant of Uncertain Significance.

Literature cited by the submitters: PubMed 17576681; PubMed 9536098.